The following is an entry in ClinVar:

ClinVar aggregate classification (germline): Uncertain significance. Review status: criteria provided, multiple submitters, no conflicts (2 of 4 stars). 2 submissions from 2 submitters: Uncertain significance (2). Last evaluated 2025-12-14.

Conditions:
Primary ciliary dyskinesia. Also called: Ciliary dyskinesia. Identifiers: Orphanet 244, MedGen C0008780, MONDO:0016575, HP:0012265.

gnomAD v4.1: 11 of 1,611,888 alleles (0.00068%); highest among the groups gnomAD compares: Admixed American, 0.018%; no homozygotes.

Submissions (2):

Labcorp Genetics (formerly Invitae), Labcorp
Classification: Uncertain significance for Primary ciliary dyskinesia. Last evaluated: 2025-12-14. Review status: criteria provided, single submitter. Criteria: Invitae Variant Classification Sherloc (09022015). Collection method: clinical testing. Allele origin: germline.
Comment: This sequence change replaces leucine, which is neutral and non-polar, with valine, which is neutral and non-polar, at codon 1529 of the DNAH8 protein (p.Leu1529Val). This variant is present in population databases (rs779817409, gnomAD 0.03%). This variant has not been reported in the literature in individuals affected with DNAH8-related conditions. ClinVar contains an entry for this variant (Variation ID: 4013295). Invitae Evidence Modeling of protein sequence and biophysical properties (such as structural, functional, and spatial information, amino acid conservation, physicochemical variation, residue mobility, and thermodynamic stability) indicates that this missense variant is not expected to disrupt DNAH8 protein function with a negative predictive value of 80%. In summary, the available evidence is currently insufficient to determine the role of this variant in disease. Therefore, it has been classified as a Variant of Uncertain Significance.

Ambry Genetics
Classification: Uncertain significance. Last evaluated: 2025-04-03. Review status: criteria provided, single submitter. Criteria: Ambry Variant Classification Scheme 2023. Collection method: clinical testing. Allele origin: germline.

NM_001206927.2(DNAH8):c.4585C>G (p.Leu1529Val)

Gene: DNAH8 (dynein axonemal heavy chain 8; plus strand). Cytogenetic location: 6p21.2.
Variant type: single nucleotide variant.
Coding change: c.4585C>G on transcript NM_001206927.2 (MANE Select); coding-DNA position 4585, C replaced by G.
Protein change: p.Leu1529Val; replaces leucine 1529 with valine.
Molecular consequence: missense variant.
Genome position (GRCh38, 1-based): chr6:38,842,486, C>G. VCF-style: chr6-38842486-C-G. GRCh37 (hg19) VCF-style: chr6-38810262-C-G.
Other names: c.3934C>G, p.Leu1312Val (NM_001371.4); short protein forms L1312V, L1529V.
Identifiers: ClinVar variation 4013295 (VCV004013295.2).
Genomic context (GRCh38, chr6:38,842,486, plus strand): 5'-ATTAGTGGTTATTATGAAATACTTTGGGGAGATGTAGATATTGAAAAAATTAATGCAGAA[C>G]TGCTGGAATTTCAAAACAGGTGAGTTTCAATGGAATTTTTTATAATGCCTGTCTTCTTAG-3'
Protein context (NP_001193856.1, residues 1519-1539): DVDIEKINAE[Leu1529Val]LEFQNRCRKL